The following is an entry in ClinVar:

ClinVar aggregate classification (germline): Likely benign (1 of 4 stars; one submission).

Allele frequency attached by ClinVar (database versions not stated): 1000 Genomes Project 0.00240; 1000 Genomes Project 30x 0.00250; gnomAD 0.00853 and 0.00883; TOPMed 0.00914.
gnomAD v4.1: 1,301 of 152,326 alleles (0.85%); highest among the groups gnomAD compares: Middle Eastern, 2%; 10 homozygotes.

Submission:

GeneDx
Classification: Likely benign. Last evaluated: 2018-06-19. Review status: criteria provided, single submitter. Criteria: GeneDx Variant Classification (06012015). Collection method: clinical testing. Allele origin: germline. Affected: yes.
Comment: This variant is considered likely benign or benign based on one or more of the following criteria: it is a conservative change, it occurs at a poorly conserved position in the protein, it is predicted to be benign by multiple in silico algorithms, and/or has population frequency not consistent with disease.

NM_003073.5(SMARCB1):c.1118+184T>A

Gene: SMARCB1 (SWI/SNF related BAF chromatin remodeling complex subunit B1; plus strand). Cytogenetic location: 22q11.23.
Variant type: single nucleotide variant.
Coding change: c.1118+184T>A on transcript NM_003073.5 (MANE Select); 184 bases into the intron after coding-DNA position 1118, T replaced by A.
Molecular consequence: intron variant.
Genome position (GRCh38, 1-based): chr22:23,833,887, T>A. VCF-style: chr22-23833887-T-A. GRCh37 (hg19) VCF-style: chr22-24176074-T-A.
Other names: c.1172+184T>A (NM_001362877.2); c.1145+184T>A (NM_001317946.2); c.1091+184T>A (NM_001007468.3).
Identifiers: ClinVar variation 676912 (VCV000676912.1), dbSNP rs144405686, ClinGen allele CA322582480.